The following is an entry in ClinVar:

ClinVar aggregate classification (germline): Conflicting classifications of pathogenicity. Review status: criteria provided, conflicting classifications (1 of 4 stars). 3 submissions from 3 submitters: Uncertain significance (2); Likely benign (1). Last evaluated 2026-01-17.

Conditions:
Congenital disorder of glycosylation, type ICC. Identifiers: MedGen C5231393, MONDO:0026729, OMIM 301031.
Inborn genetic diseases. Identifiers: MedGen C0950123, MeSH D030342.
X-linked immunodeficiency with magnesium defect, Epstein-Barr virus infection and neoplasia. Identifiers: Orphanet 317476, MedGen C3275445, MONDO:0010455, OMIM 300853.

Allele frequency attached by ClinVar (database versions not stated): ExAC 0.00001; gnomAD 0.00001 and 0.00002; gnomAD exomes 0.00001; TOPMed 0.00002; 1000 Genomes Project 0.00026; 1000 Genomes Project 30x 0.00042.
gnomAD v4.1: 10 of 1,209,769 alleles (0.00083%); highest among the groups gnomAD compares: Admixed American, 0.022%; no homozygotes.

Submissions (3):

Labcorp Genetics (formerly Invitae), Labcorp
Classification: Likely benign for X-linked immunodeficiency with magnesium defect, Epstein-Barr virus infection and neoplasia. Last evaluated: 2026-01-17. Review status: criteria provided, single submitter. Criteria: Invitae Variant Classification Sherloc (09022015). Collection method: clinical testing. Allele origin: germline.

Ambry Genetics
Classification: Uncertain significance for Inborn genetic diseases. Last evaluated: 2024-09-01. Review status: criteria provided, single submitter. Criteria: Ambry Variant Classification Scheme 2023. Collection method: clinical testing. Allele origin: germline.

New York Genome Center
Classification: Uncertain significance for Congenital disorder of glycosylation, type ICC. Last evaluated: 2020-04-24. Review status: criteria provided, single submitter. Criteria: NYGC Assertion Criteria 2020. Collection method: clinical testing. Allele origin: maternal. Inheritance: X-linked inheritance. Observed: 1 hemizygote. Study: CSER-NYCKidSeq.
Comment: The inherited hemizygous c.94A>G (p.Asn32Asp) variant identified in the MAGT1 gene substitutes a well conserved Asparagine for Aspartic Acid at amino acid 32/368 (coding exon 1/10). This variant is found with low frequency in gnomAD (1 heterozygote, 0 homozygotes, 0 hemizygotes; allele frequency: 9.42e-6) suggesting it is not a common benign variant in the populations represented in this database. In silico algorithms do not agree on the effect of this variant, as it is predicted both Damaging (SIFT; score: 0.027) and Neutral (Provean; score:-0.31) to the function of the canonical transcript. This variant is absent from ClinVar and to our current knowledge has not been reported in affected individuals in the literature. The p.Asn32 residue is not within a mapped domain of MAGT1 (UniProtKB; Q9H0U3). Given the lack of compelling evidence for its pathogenicity, the inherited hemizygous c.94A>G (p.Asn32Asp) variant identified in the MAGT1 gene is reported here as a Variant of Uncertain Significance.

NM_001367916.1(MAGT1):c.-3A>G

Genes: MAGT1 (magnesium transporter 1; minus strand), LOC130068460 (ATAC-STARR-seq lymphoblastoid active region 29781; plus strand). Cytogenetic location: Xq21.1.
Variant type: single nucleotide variant.
Coding change: c.-3A>G on transcript NM_001367916.1 (MANE Select); 3 bases upstream of the start codon, A replaced by G.
Molecular consequence: 5 prime UTR variant. On other transcripts: missense variant (1).
Genome position (GRCh38, 1-based): chrX:77,895,413, T>C on the plus strand (A>G on the coding strand, the complement: MAGT1 is on the minus strand). VCF-style: chrX-77895413-T-C. GRCh37 (hg19) VCF-style: chrX-77150910-T-C.
Other names: c.94A>G, p.Asn32Asp (NM_032121.5); short protein forms N32D.
Identifiers: ClinVar variation 996948 (VCV000996948.11), dbSNP rs781882781, ClinGen allele CA10458618.
Genomic context (GRCh38, chrX:77,895,413, plus strand): 5'-TGAGCAGCGCCACCACCATGGTCACAGAGACACACCAAAACCGCCAACGCGCTGCCATGT[T>C]CGCTCCTCTCCCTTCTATAAGTGAAACTTTGCTCCGGCTAGGTCTGAGGGTGGGGCGTGA-3'